The following is an entry in ClinVar:

ClinVar aggregate classification (germline): Conflicting classifications of pathogenicity. Review status: criteria provided, conflicting classifications (1 of 4 stars). 7 submissions from 7 submitters: Likely pathogenic (1); Uncertain significance (3); Likely benign (2). 1 of the submissions does not count toward it. Last evaluated 2025-01-15.

Conditions:
Ovarian cancer. Also called: OVARIAN CANCER, SOMATIC. Identifiers: Orphanet 213500, MedGen C1140680, MONDO:0008170, OMIM 167000.
Hereditary leiomyomatosis and renal cell cancer. Also called: Reed syndrome; Multiple cutaneous and uterine leiomyomatosis; Cutaneous leiomyomata with uterine leiomyomata; Leiomyoma, hereditary multiple, of skin; Multiple cutaneous and uterine leiomyomata; Multiple cutaneous leiomyomas. Identifiers: Orphanet 523, MedGen C1708350, MONDO:0007888, OMIM 150800, HP:0007437. Disease mechanism: loss of function.
Fumarase deficiency (FMRD). Also called: Fumarate Hydratase Deficiency; Fumaric aciduria. Identifiers: Orphanet 24, MedGen C0342770, MONDO:0011730, OMIM 606812.
Hereditary cancer-predisposing syndrome. Also called: Neoplastic Syndromes, Hereditary; Hereditary Cancer Syndrome; Hereditary neoplastic syndrome; Tumor predisposition. Identifiers: Orphanet 140162, MedGen C0027672, MeSH D009386, MONDO:0015356.

Allele frequency attached by ClinVar (database versions not stated): ExAC 0.00002; gnomAD 0.00002 and 0.00003; gnomAD exomes 0.00003; TOPMed 0.00012; 1000 Genomes Project 0.00020; 1000 Genomes Project 30x 0.00031.
gnomAD v4.1: 30 of 1,614,114 alleles (0.0019%); highest among the groups gnomAD compares: East Asian, 0.051%; no homozygotes.

Submissions (7):

Quest Diagnostics Nichols Institute San Juan Capistrano
Classification: Uncertain significance. Last evaluated: 2025-01-15. Review status: criteria provided, single submitter. Criteria: Quest Diagnostics criteria. Collection method: clinical testing. Allele origin: unknown.
Comment: The FH c.260G>A (p.Arg87His) variant has been reported in the published literature in individuals affected with paraganglioma (PGL) (PMID: 33397043 (2020)) and renal cell cancer (PMID: 35441217 (2022)). The frequency of this variant in the general population (Genome Aggregation Database) is higher than would generally be expected for pathogenic variants in this gene. Analysis of this variant using bioinformatics tools for the prediction of the effect of amino acid changes on protein structure and function yielded conflicting predictions that this variant is benign or damaging. Based on the available information, we are unable to determine the clinical significance of this variant.

Myriad Genetics, Inc.
Classification: Likely benign for Hereditary leiomyomatosis and renal cell cancer. Last evaluated: 2024-08-13. Review status: criteria provided, single submitter. Criteria: Myriad Autosomal Dominant, Autosomal Recessive and X-Linked Classification Criteria (2023). Collection method: clinical testing. Allele origin: unknown.
Comment: This variant is considered likely benign. This variant has been observed at a population frequency that is significantly greater than expected given the associated disease prevalence and penetrance.

Baylor Genetics
Classification: Uncertain significance for Fumarase deficiency. Last evaluated: 2023-10-17. Review status: criteria provided, single submitter. Criteria: ACMG Guidelines, 2015. Collection method: clinical testing. Allele origin: unknown.

Labcorp Genetics (formerly Invitae), Labcorp
Classification: Uncertain significance. Last evaluated: 2022-10-08. Review status: criteria provided, single submitter. Criteria: Invitae Variant Classification Sherloc (09022015). Collection method: clinical testing. Allele origin: germline.
Comment: This sequence change replaces arginine, which is basic and polar, with histidine, which is basic and polar, at codon 87 of the FH protein (p.Arg87His). This variant is present in population databases (rs200007371, gnomAD 0.03%). This variant has not been reported in the literature in individuals affected with FH-related conditions. ClinVar contains an entry for this variant (Variation ID: 821568). Advanced modeling of protein sequence and biophysical properties (such as structural, functional, and spatial information, amino acid conservation, physicochemical variation, residue mobility, and thermodynamic stability) has been performed at Invitae for this missense variant, however the output from this modeling did not meet the statistical confidence thresholds required to predict the impact of this variant on FH protein function. In summary, the available evidence is currently insufficient to determine the role of this variant in disease. Therefore, it has been classified as a Variant of Uncertain Significance.

Ambry Genetics
Classification: Likely benign for Hereditary cancer-predisposing syndrome. Last evaluated: 2022-07-01. Review status: criteria provided, single submitter. Criteria: Ambry Variant Classification Scheme 2023. Collection method: clinical testing. Allele origin: germline.

Laboratory of Molecular Epidemiology of Birth Defects, West China Second University Hospital, Sichuan University
Classification: Likely pathogenic for Ovarian cancer. Last evaluated: 2022-01-01. Review status: criteria provided, single submitter. Criteria: ACMG Guidelines, 2015. Collection method: clinical testing. Allele origin: germline. Affected: yes.

Natera, Inc.
Classification: Uncertain significance for Fumarase Deficiency. Last evaluated: 2020-07-05. Review status: no assertion criteria provided. Collection method: clinical testing. Allele origin: germline. Not counted in ClinVar's aggregate classification.

Literature cited by the submitters: PubMed 33397043 (cited by Quest Diagnostics Nichols Institute San Juan Capistrano and Ambry Genetics); PubMed 35441217 (cited by Quest Diagnostics Nichols Institute San Juan Capistrano).

NM_000143.4(FH):c.260G>A (p.Arg87His)

Gene: FH (fumarate hydratase; minus strand). Cytogenetic location: 1q43.
Variant type: single nucleotide variant.
Coding change: c.260G>A on transcript NM_000143.4 (MANE Select); coding-DNA position 260, G replaced by A.
Protein change: p.Arg87His; replaces arginine 87 with histidine.
Molecular consequence: missense variant.
Genome position (GRCh38, 1-based): chr1:241,517,189, C>T on the plus strand (G>A on the coding strand, the complement: FH is on the minus strand). VCF-style: chr1-241517189-C-T. GRCh37 (hg19) VCF-style: chr1-241680489-C-T.
Other names: short protein forms R87H.
Identifiers: ClinVar variation 821568 (VCV000821568.17), dbSNP rs200007371, ClinGen allele CA1478737.